The following is an entry in ClinVar:

ClinVar aggregate classification (germline): Uncertain significance (1 of 4 stars; one submission).

Conditions:
Cardiovascular phenotype. Identifiers: MedGen CN230736.

Submission:

Ambry Genetics
Classification: Uncertain significance for Cardiovascular phenotype. Last evaluated: 2021-12-04. Review status: criteria provided, single submitter. Criteria: Ambry Variant Classification Scheme 2023. Collection method: clinical testing. Allele origin: germline.
Comment: The c.1619delC variant, located in coding exon 12 of the LAMA4 gene, results from a deletion of one nucleotide at nucleotide position 1619, causing a translational frameshift with a predicted alternate stop codon (p.T540Ifs*8). This alteration is expected to result in loss of function by premature protein truncation or nonsense-mediated mRNA decay. However, loss of function of LAMA4 has not been clearly established as a mechanism of disease, and the evidence for this gene-disease relationship is limited; therefore, the clinical significance of this alteration is unclear.

NM_001105206.3(LAMA4):c.1640del (p.Thr547fs)

Gene: LAMA4 (laminin subunit alpha 4; minus strand). Cytogenetic location: 6q21.
Variant type: Deletion.
Coding change: c.1640del on transcript NM_001105206.3 (MANE Select); coding-DNA position 1640, one base deleted (C; older notation c.1640delC).
Protein change: p.Thr547fs; shifts the reading frame from threonine 547.
Molecular consequence: frameshift variant.
Genome position (GRCh38, 1-based): chr6:112,165,188, G deleted on the plus strand (C on the coding strand, the reverse complement: LAMA4 is on the minus strand). VCF-style (leftmost placement, unchanged base first): chr6-112165187-AG-A. GRCh37 (hg19) VCF-style: chr6-112486389-AG-A.
Other names: c.1619del, p.Thr540fs (NM_001105207.3, NM_002290.5); short protein forms T540fs, T547fs.
Identifiers: ClinVar variation 1776553 (VCV001776553.2), dbSNP rs2547092104, ClinGen allele CA2580074824.